The following is an entry in ClinVar:

ClinVar aggregate classification (germline): Uncertain significance (0 of 4 stars; one submission).

Conditions:
Alzheimer disease 4 (AD4). Identifiers: Orphanet 1020, MedGen C1847200, MONDO:0011743, OMIM 606889.

Submission:

Medical Genetics Unit, Mauro Baschirotto Institute for Rare Disease
Classification: Uncertain significance for Alzheimer disease 4. Last evaluated: 2026-04-20. Review status: no assertion criteria provided. Collection method: clinical testing. Allele origin: germline. Affected: yes. Observed: 1 variant allele.
Comment: This variant was interpreted by the AD-FTD Italian Consortium, including the following participating institutions: Mauro Baschirotto Institute for Rare Disease, Medical Genetics Unit (Dr Paola de Gemmis, Dr Daniela Segat, Dr Chiara Stefani); Neurology Unit, Department of Biomedicine, Neurosciences and Advanced Diagnostics, University of Palermo, Italy (Dr Tommaso Piccoli); Neurology Unit, Santa Maria della Misericordia Hospital, Perugia, Italy (Dr Lorenzo Gaetani). The participating laboratories jointly contributed to patient recruitment, clinical data collection, and variant interpretation and classification. The variant c.766delC;p.Leu256Trpfs*19 in PSEN2 consists of a single-nucleotide deletion in the coding sequence that alters the reading frame starting at codon 256, replacing the leucine at this position with a tryptophan and introducing a premature termination codon 19 amino acids downstream. This change is predicted at the protein level to generate a truncated presenilin-2 protein with an altered C-terminal sequence relative to the canonical protein. It is a frameshift variant impacting exon 8 of PSEN2, reported in gnomAD with an overall extremely low allele frequency of 0.000130% and no homozygous individuals observed, and associated with a CADD score of 25.8. PSEN2 encodes presenilin-2, a multi-pass transmembrane protein that constitutes the catalytic subunit of the γ-secretase complex, together with other essential components such as nicastrin, APH1, and PEN2. γ-Secretase is an intramembrane-cleaving protease that processes multiple type I transmembrane substrates, including the amyloid precursor protein (APP) and Notch receptors, thereby contributing to the regulation of amyloid-β peptide generation and diverse cell signaling pathways. Presenilin-2 undergoes endoproteolytic processing into N-terminal and C-terminal fragments that assemble into the active γ-secretase complex, which is expressed in multiple tissues, including the central nervous system, and participates in key cellular processes such as membrane protein turnover and signaling regulation. Taken together all of these data suggest an uncertain significance classification for this variant.

NM_000447.3(PSEN2):c.766del (p.Leu256fs)

Gene: PSEN2 (presenilin 2; plus strand). Cytogenetic location: 1q42.13.
Variant type: Deletion.
Coding change: c.766del on transcript NM_000447.3 (MANE Select); coding-DNA position 766, one base deleted (C; older notation c.766delC).
Protein change: p.Leu256fs; shifts the reading frame from leucine 256.
Molecular consequence: frameshift variant.
Genome position (GRCh38, 1-based): chr1:226,889,028, C deleted; the last of 2 consecutive C bases (chr1:226,889,027-226,889,028); deleting either gives the same sequence. VCF-style (leftmost placement, unchanged base first): chr1-226889026-TC-T. GRCh37 (hg19) VCF-style: chr1-227076727-TC-T.
Other names: c.766del, p.Leu256fs (NM_001437537.1, NM_012486.3); short protein forms L256fs.
Identifiers: ClinVar variation 4849957 (VCV004849957.1).